The following is an entry in ClinVar:

ClinVar aggregate classification (germline): Pathogenic/Likely pathogenic. Review status: criteria provided, multiple submitters, no conflicts (2 of 4 stars). 4 submissions from 4 submitters: Pathogenic (1); Likely pathogenic (3). Last evaluated 2025-12-01.

Conditions:
Gaucher disease type I (GD1). Also called: Type 1 Gaucher Disease; GD 1; GLUCOCEREBROSIDASE DEFICIENCY; ACID BETA-GLUCOSIDASE DEFICIENCY; GAUCHER DISEASE, NONCEREBRAL JUVENILE; GBA DEFICIENCY. Identifiers: Orphanet 355, Orphanet 77259, MedGen C1961835, MONDO:0009265, OMIM 230800.
Gaucher disease type II (GD2). Also called: Type 2 Gaucher disease (Acute; Infantile); GAUCHER DISEASE, ACUTE NEURONOPATHIC TYPE; GD II; Acute neuronopathic Gaucher's disease. Identifiers: Orphanet 77260, MedGen C0268250, MONDO:0009266, OMIM 230900.
Gaucher disease type III. Also called: Type 3 Gaucher disease (Subacute; Juvenile); Gaucher Disease, Type 3; GAUCHER DISEASE, CHRONIC NEURONOPATHIC TYPE; GAUCHER DISEASE, JUVENILE AND ADULT, CEREBRAL; GAUCHER DISEASE, SUBACUTE NEURONOPATHIC TYPE; GD III. Identifiers: Orphanet 355, Orphanet 77261, MedGen C0268251, MONDO:0009267, OMIM 231000.
Gaucher disease-ophthalmoplegia-cardiovascular calcification syndrome. Also called: GAUCHER DISEASE, TYPE IIIC. Identifiers: Orphanet 2072, MedGen C1856476, MONDO:0009268, OMIM 231005.
Gaucher disease. Also called: Acute cerebral Gaucher disease; Cerebroside lipidosis syndrome; Gaucher splenomegaly; Sphingolipidosis 1; Glucocerebrosidosis; Glucosylceramidase deficiency. Identifiers: Orphanet 355, MedGen C0017205, MONDO:0018150.

Allele frequency attached by ClinVar (database versions not stated): gnomAD exomes below 0.00001.
gnomAD v4.1: 2 of 1,614,200 alleles (0.00012%); highest among the groups gnomAD compares: African/African-American, 0.0027%; no homozygotes.

Submissions (4):

Natera, Inc.
Classification: Likely pathogenic for Gaucher disease. Last evaluated: 2025-12-01. Review status: criteria provided, single submitter. Criteria: Natera Variant Classification Schema (03/2026). Collection method: clinical testing. Allele origin: germline.
Comment: The c.1171G>C variant in GBA1 is a missense variant predicted to cause substitution of valine to leucine at amino acid 391. This variant is rare in the general population with a frequency below the threshold expected for the associated phenotype(s). This variant has been observed in one or more individuals affected with the associated recessive disease, as either homozygous or compound heterozygous with a second variant (PMID: 21228398, 30328501, 37547187). Computational prediction algorithms indicate this variant is likely to affect gene or protein function. Given the available evidence, this variant is classified as Likely Pathogenic.

Women's Health and Genetics/Laboratory Corporation of America, LabCorp
Classification: Likely pathogenic for Gaucher disease. Last evaluated: 2025-03-26. Review status: criteria provided, single submitter. Criteria: LabCorp Variant Classification Summary - May 2015. Collection method: clinical testing. Allele origin: germline.
Comment: Variant summary: GBA c.1171G>C (p.Val391Leu) results in a conservative amino acid change located in the Glycosyl hydrolase family 30, TIM-barrel domain of the encoded protein sequence. Three of five in-silico tools predict a damaging effect of the variant on protein function. The variant was absent in 251436 control chromosomes (gnomAD). c.1171G>C has been reported in the literature in individuals affected with Gaucher Disease (example, Grace_1997, Koprivica_2000, Perucca_2018). These data indicate that the variant may be associated with disease. A functional study, Grace_1997, found the variant to have lower specific activity and affinity for specific inhibitors. The following publications have been ascertained in the context of this evaluation (PMID: 9153297, 10796875, 30328501). ClinVar contains an entry for this variant (Variation ID: 93446). Based on the evidence outlined above, the variant was classified as likely pathogenic.

Eurofins Ntd Llc (ga)
Classification: Pathogenic. Last evaluated: 2012-11-28. Review status: criteria provided, single submitter. Criteria: EGL Classification Definitions. Collection method: clinical testing. Allele origin: germline. Observed: 3 variant alleles, 3 heterozygotes.

Baylor Genetics
Classification: Likely pathogenic for Gaucher disease type I; Gaucher disease type II; Gaucher disease type III; Gaucher disease-ophthalmoplegia-cardiovascular calcification syndrome. Review status: criteria provided, single submitter. Criteria: ACMG Guidelines, 2015. Collection method: clinical testing. Allele origin: germline.

Literature cited by the submitters: PubMed 21228398 (cited by Natera, Inc.); PubMed 30328501 (cited by Natera, Inc. and Women's Health and Genetics/Laboratory Corporation of America, LabCorp); PubMed 37547187 (cited by Natera, Inc.); PubMed 9153297 (cited by Women's Health and Genetics/Laboratory Corporation of America, LabCorp); PubMed 10796875 (cited by Women's Health and Genetics/Laboratory Corporation of America, LabCorp).

NM_000157.4(GBA1):c.1171G>C (p.Val391Leu)

Genes: GBA1 (glucosylceramidase beta 1; minus strand), LOC106627981 (GBA recombination region; plus strand). Cytogenetic location: 1q22.
Variant type: single nucleotide variant.
Coding change: c.1171G>C on transcript NM_000157.4 (MANE Select); coding-DNA position 1171, G replaced by C.
Protein change: p.Val391Leu; replaces valine 391 with leucine.
Molecular consequence: missense variant.
Genome position (GRCh38, 1-based): chr1:155,236,298, C>G on the plus strand (G>C on the coding strand, the complement: GBA1 is on the minus strand). VCF-style: chr1-155236298-C-G. GRCh37 (hg19) VCF-style: chr1-155206089-C-G.
Other names: c.1171G>C, p.Val391Leu (NM_001005741.3, NM_001005742.3); c.910G>C, p.Val304Leu (NM_001171811.2); c.1024G>C, p.Val342Leu (NM_001171812.2); c.1171G>C (NM_000157.3); short protein forms V391L, V304L, V342L.
Identifiers: ClinVar variation 93446 (VCV000093446.12), dbSNP rs398123527, ClinGen allele CA221384.